The following is an entry in ClinVar:

ClinVar aggregate classification (germline): Uncertain significance (1 of 4 stars; one submission).

Conditions:
Inborn genetic diseases. Identifiers: MedGen C0950123, MeSH D030342.

Submission:

Ambry Genetics
Classification: Uncertain significance for Inborn genetic diseases. Last evaluated: 2026-05-26. Review status: criteria provided, single submitter. Criteria: Ambry Variant Classification Scheme 2023. Collection method: clinical testing. Allele origin: germline.
Comment: The p.Y155F variant (also known as c.464A>T), located in coding exon 1 of the FANCM gene, results from an A to T substitution at nucleotide position 464. The tyrosine at codon 155 is replaced by phenylalanine, an amino acid with highly similar properties. This amino acid position is conserved. In addition, this alteration is predicted to be tolerated by in silico analysis. Based on the available evidence, the clinical significance of this variant remains unclear.

NM_020937.4(FANCM):c.464A>T (p.Tyr155Phe)

Gene: FANCM (FA complementation group M; plus strand). Cytogenetic location: 14q21.2.
Variant type: single nucleotide variant.
Coding change: c.464A>T on transcript NM_020937.4 (MANE Select); coding-DNA position 464, A replaced by T.
Protein change: p.Tyr155Phe; replaces tyrosine 155 with phenylalanine.
Molecular consequence: missense variant.
Genome position (GRCh38, 1-based): chr14:45,136,495, A>T. VCF-style: chr14-45136495-A-T. GRCh37 (hg19) VCF-style: chr14-45605698-A-T.
Other names: c.464A>T, p.Tyr155Phe (NM_001308133.2, NM_001308134.2); short protein forms Y155F.
Identifiers: ClinVar variation 4871162 (VCV004871162.1).